The following is an entry in ClinVar:

NM_002249.6(KCNN3):c.671G>A (p.Arg224Gln)

Gene: KCNN3 (potassium calcium-activated channel subfamily N member 3; minus strand). Cytogenetic location: 1q21.3.
Variant type: single nucleotide variant.
Coding change: c.671G>A on transcript NM_002249.6 (MANE Select); coding-DNA position 671, G replaced by A.
Protein change: p.Arg224Gln; replaces arginine 224 with glutamine.
Molecular consequence: missense variant.
Genome position (GRCh38, 1-based): chr1:154,869,294, C>T on the plus strand (G>A on the coding strand, the complement: KCNN3 is on the minus strand). VCF-style: chr1-154869294-C-T. GRCh37 (hg19) VCF-style: chr1-154841770-C-T.
Other names: c.671G>A, p.Arg224Gln (NM_001204087.2); short protein forms R224Q.
Identifiers: ClinVar variation 2221172 (VCV002221172.26), dbSNP rs775661147, ClinGen allele CA1132245.

ClinVar aggregate classification (germline): Uncertain significance. Review status: criteria provided, multiple submitters, no conflicts (2 of 4 stars). 2 submissions from 2 submitters: Uncertain significance (2). Last evaluated 2022-08-01.

Conditions:
Inborn genetic diseases. Identifiers: MedGen C0950123, MeSH D030342.

Allele frequency attached by ClinVar (database versions not stated): gnomAD exomes below 0.00001; ExAC 0.00001; gnomAD 0.00001.
gnomAD v4.1: 2 of 1,613,498 alleles (0.00012%); highest among the groups gnomAD compares: African/African-American, 0.0027%; no homozygotes.

Submissions (2):

CeGaT Center for Human Genetics Tuebingen
Classification: Uncertain significance. Last evaluated: 2022-08-01. Review status: criteria provided, single submitter. Criteria: CeGaT Center For Human Genetics Tuebingen Variant Classification Criteria Version 2. Collection method: clinical testing. Allele origin: germline. Affected: yes. Observed: 1 variant allele.
Comment: KCNN3: PP2, BP4

Ambry Genetics
Classification: Uncertain significance for Inborn genetic diseases. Last evaluated: 2021-09-27. Review status: criteria provided, single submitter. Criteria: Ambry Variant Classification Scheme 2023. Collection method: clinical testing. Allele origin: germline.